The following is an entry in ClinVar:

ClinVar aggregate classification (germline): Uncertain significance. Review status: criteria provided, multiple submitters, no conflicts (2 of 4 stars). 3 submissions from 3 submitters: Uncertain significance (3). Last evaluated 2025-01-01.

Conditions:
RASopathy. Also called: rasopathies; Noonan spectrum disorder. Identifiers: Orphanet 536391, MedGen C5555857, MONDO:0021060.

Allele frequency attached by ClinVar (database versions not stated): TOPMed 0.00001.
gnomAD v4.1: 14 of 1,614,138 alleles (0.00087%); highest among the groups gnomAD compares: East Asian, 0.0022%; no homozygotes.

Submissions (3):

Labcorp Genetics (formerly Invitae), Labcorp
Classification: Uncertain significance for RASopathy. Last evaluated: 2025-01-01. Review status: criteria provided, single submitter. Criteria: Invitae Variant Classification Sherloc (09022015). Collection method: clinical testing. Allele origin: germline.
Comment: This sequence change replaces arginine, which is basic and polar, with tryptophan, which is neutral and slightly polar, at codon 41 of the RAF1 protein (p.Arg41Trp). This variant is not present in population databases (gnomAD no frequency). This variant has not been reported in the literature in individuals affected with RAF1-related conditions. ClinVar contains an entry for this variant (Variation ID: 499129). Invitae Evidence Modeling incorporating data from in vitro experimental studies (internal data) indicates that this missense variant is not expected to disrupt RAF1 function with a negative predictive value of 80%. In summary, the available evidence is currently insufficient to determine the role of this variant in disease. Therefore, it has been classified as a Variant of Uncertain Significance.

GeneDx
Classification: Uncertain significance. Last evaluated: 2019-07-02. Review status: criteria provided, single submitter. Criteria: GeneDx Variant Classification Process June 2021. Collection method: clinical testing. Allele origin: germline. Affected: yes.
Comment: Not observed in large population cohorts (Lek et al., 2016); The majority of missense variants in this gene are considered pathogenic (Stenson et al., 2014); In silico analysis, which includes protein predictors and evolutionary conservation, supports that this variant does not alter protein structure/function

Eurofins Ntd Llc (ga)
Classification: Uncertain significance. Last evaluated: 2017-01-09. Review status: criteria provided, single submitter. Criteria: EGL Classification Definitions 2015. Collection method: clinical testing. Allele origin: germline. Observed: 2 variant alleles, 2 heterozygotes.

NM_002880.4(RAF1):c.121C>T (p.Arg41Trp)

Gene: RAF1 (Raf-1 proto-oncogene, serine/threonine kinase; minus strand). Cytogenetic location: 3p25.2.
Variant type: single nucleotide variant.
Coding change: c.121C>T on transcript NM_002880.4 (MANE Select); coding-DNA position 121, C replaced by T.
Protein change: p.Arg41Trp; replaces arginine 41 with tryptophan.
Molecular consequence: missense variant. On other transcripts: 5 prime UTR variant (4), non-coding transcript variant (3).
Genome position (GRCh38, 1-based): chr3:12,618,601, G>A on the plus strand (C>T on the coding strand, the complement: RAF1 is on the minus strand). VCF-style: chr3-12618601-G-A. GRCh37 (hg19) VCF-style: chr3-12660100-G-A.
Other names: c.121C>T, p.Arg41Trp (NM_001354689.3, NM_001354690.3, NM_001354693.3); c.-10C>T (NM_001354691.3, NM_001354692.3, NM_001354694.3 and 1 more transcripts); short protein forms R41W.
Identifiers: ClinVar variation 499129 (VCV000499129.14), dbSNP rs1480507957, ClinGen allele CA351485027.